The following is an entry in ClinVar:

NM_000360.4(TH):c.1427G>A (p.Arg476Gln)

Gene: TH (tyrosine hydroxylase; minus strand). Cytogenetic location: 11p15.5.
Variant type: single nucleotide variant.
Coding change: c.1427G>A on transcript NM_000360.4 (MANE Select); coding-DNA position 1427, G replaced by A.
Protein change: p.Arg476Gln; replaces arginine 476 with glutamine.
Molecular consequence: missense variant.
Genome position (GRCh38, 1-based): chr11:2,164,300, C>T on the plus strand (G>A on the coding strand, the complement: TH is on the minus strand). VCF-style: chr11-2164300-C-T. GRCh37 (hg19) VCF-style: chr11-2185530-C-T.
Other names: c.1520G>A (NM_199292.2); c.1520G>A, p.Arg507Gln (NM_199292.3); c.1508G>A, p.Arg503Gln (NM_199293.3); short protein forms R476Q, R503Q, R507Q.
Identifiers: ClinVar variation 1520043 (VCV001520043.6), dbSNP rs774575772, ClinGen allele CA5818242.

ClinVar aggregate classification (germline): Uncertain significance. Review status: criteria provided, multiple submitters, no conflicts (2 of 4 stars). 2 submissions from 2 submitters: Uncertain significance (2). Last evaluated 2025-02-28.

Conditions:
Inborn genetic diseases. Identifiers: MedGen C0950123, MeSH D030342.
TH-deficient dopa-responsive dystonia. Also called: Tyrosine Hydroxylase-Deficient Dopa-Responsive Dystonia; Segawa syndrome, autosomal recessive; DYT-TH. Identifiers: Orphanet 101150, MedGen C2673535, MONDO:0011551, OMIM 605407.

Allele frequency attached by ClinVar (database versions not stated): ExAC 0.00001; gnomAD 0.00001; gnomAD exomes 0.00001 and 0.00002; TOPMed below 0.00001.
gnomAD v4.1: 20 of 1,518,774 alleles (0.0013%); highest among the groups gnomAD compares: African/African-American, 0.0028%; no homozygotes.

Submissions (2):

Ambry Genetics
Classification: Uncertain significance for Inborn genetic diseases. Last evaluated: 2025-02-28. Review status: criteria provided, single submitter. Criteria: Ambry Variant Classification Scheme 2023. Collection method: clinical testing. Allele origin: germline.

Labcorp Genetics (formerly Invitae), Labcorp
Classification: Uncertain significance for TH-deficient dopa-responsive dystonia. Last evaluated: 2025-01-06. Review status: criteria provided, single submitter. Criteria: Invitae Variant Classification Sherloc (09022015). Collection method: clinical testing. Allele origin: germline.
Comment: This sequence change replaces arginine, which is basic and polar, with glutamine, which is neutral and polar, at codon 507 of the TH protein (p.Arg507Gln). The frequency data for this variant in the population databases is considered unreliable, as metrics indicate poor data quality at this position in the gnomAD database. This variant has not been reported in the literature in individuals affected with TH-related conditions. ClinVar contains an entry for this variant (Variation ID: 1520043). Invitae Evidence Modeling of protein sequence and biophysical properties (such as structural, functional, and spatial information, amino acid conservation, physicochemical variation, residue mobility, and thermodynamic stability) indicates that this missense variant is not expected to disrupt TH protein function with a negative predictive value of 95%. In summary, the available evidence is currently insufficient to determine the role of this variant in disease. Therefore, it has been classified as a Variant of Uncertain Significance.